The following is an entry in ClinVar:

NM_015693.4(INTU):c.469C>T (p.Arg157Ter)

Gene: INTU (inturned planar cell polarity protein; plus strand). Cytogenetic location: 4q28.1.
Variant type: single nucleotide variant.
Coding change: c.469C>T on transcript NM_015693.4 (MANE Select); coding-DNA position 469, C replaced by T.
Protein change: p.Arg157Ter; replaces arginine 157 with a stop codon.
Molecular consequence: nonsense.
Genome position (GRCh38, 1-based): chr4:127,643,843, C>T. VCF-style: chr4-127643843-C-T. GRCh37 (hg19) VCF-style: chr4-128564998-C-T.
Other names: short protein forms R157*.
Identifiers: ClinVar variation 2713590 (VCV002713590.4), dbSNP rs764544744, ClinGen allele CA3074797.

ClinVar aggregate classification (germline): Conflicting classifications of pathogenicity. Review status: criteria provided, conflicting classifications (1 of 4 stars). 2 submissions from 2 submitters: Likely pathogenic (1); Uncertain significance (1). Last evaluated 2025-03-27.

Conditions:
Short-rib thoracic dysplasia 20 with polydactyly. Identifiers: MedGen C4693616, MONDO:0044328, OMIM 617925.
Orofaciodigital syndrome 17. Also called: OROFACIODIGITAL SYNDROME XVII; OFDS XVII; ORAL-FACIAL-DIGITAL SYNDROME, TYPE XVII. Identifiers: MedGen C4693640, MONDO:0033375, OMIM 617926.

Allele frequency attached by ClinVar (database versions not stated): ExAC 0.00004; gnomAD 0.00005; TOPMed 0.00008; gnomAD exomes 0.00009.

Submissions (2):

First Genomix Gene Laboratory, Genetic Diagnostics Department
Classification: Likely pathogenic for Orofaciodigital syndrome 17; Short-rib thoracic dysplasia 20 with polydactyly. Last evaluated: 2025-03-27. Review status: criteria provided, single submitter. Criteria: ACMG Guidelines, 2015. Collection method: clinical testing. Allele origin: germline. Inheritance: Autosomal recessive inheritance. Affected: no. Observed: 1 variant allele.

Labcorp Genetics (formerly Invitae), Labcorp
Classification: Uncertain significance. Last evaluated: 2024-08-03. Review status: criteria provided, single submitter. Criteria: Invitae Variant Classification Sherloc (09022015). Collection method: clinical testing. Allele origin: germline.
Comment: This sequence change creates a premature translational stop signal (p.Arg157*) in the INTU gene. It is expected to result in an absent or disrupted protein product. However, the current clinical and genetic evidence is not sufficient to establish whether loss-of-function variants in INTU cause disease. This variant is present in population databases (rs764544744, gnomAD 0.009%). This variant has not been reported in the literature in individuals affected with INTU-related conditions. In summary, the available evidence is currently insufficient to determine the role of this variant in disease. Therefore, it has been classified as a Variant of Uncertain Significance.